The following is an entry in ClinVar:

ClinVar aggregate classification (germline): Uncertain significance (1 of 4 stars; one submission).

Conditions:
Immunodeficiency. Identifiers: MedGen C0021051, MONDO:0021094, HP:0002721.

gnomAD v4.1: 7 of 1,613,968 alleles (0.00043%); highest among the groups gnomAD compares: Non-Finnish European, 0.00059%; no homozygotes.

Submission:

Labcorp Genetics (formerly Invitae), Labcorp
Classification: Uncertain significance for Immunodeficiency. Last evaluated: 2019-08-11. Review status: criteria provided, single submitter. Criteria: Invitae Variant Classification Sherloc (09022015). Collection method: clinical testing. Allele origin: germline.
Comment: Algorithms developed to predict the effect of missense changes on protein structure and function are either unavailable or do not agree on the potential impact of this missense change (SIFT: "Tolerated"; PolyPhen-2: "Probably Damaging"; Align-GVGD: "Class C0"). This sequence change replaces alanine with serine at codon 993 of the NFAT5 protein (p.Ala993Ser). The alanine residue is moderately conserved and there is a moderate physicochemical difference between alanine and serine. This variant is not present in population databases (ExAC no frequency). This variant has not been reported in the literature in individuals with NFAT5-related conditions. In summary, the available evidence is currently insufficient to determine the role of this variant in disease. Therefore, it has been classified as a Variant of Uncertain Significance.

NM_138713.4(NFAT5):c.3259G>T (p.Ala1087Ser)

Gene: NFAT5 (nuclear factor of activated T cells 5; plus strand). Cytogenetic location: 16q22.1.
Variant type: single nucleotide variant.
Coding change: c.3259G>T on transcript NM_138713.4 (MANE Select); coding-DNA position 3259, G replaced by T.
Protein change: p.Ala1087Ser; replaces alanine 1087 with serine.
Molecular consequence: missense variant.
Genome position (GRCh38, 1-based): chr16:69,693,084, G>T. VCF-style: chr16-69693084-G-T. GRCh37 (hg19) VCF-style: chr16-69726987-G-T.
Other names: c.3256G>T, p.Ala1086Ser (NM_001113178.3); c.2584G>T, p.Ala862Ser (NM_001367709.1); c.3205G>T, p.Ala1069Ser (NM_006599.4); c.2977G>T, p.Ala993Ser (NM_138714.4, NM_173214.3, NM_173215.3); short protein forms A1087S, A1069S, A1086S, A862S, A993S.
Identifiers: ClinVar variation 940211 (VCV000940211.9), dbSNP rs1303798077, ClinGen allele CA396512622.